The following is an entry in ClinVar:

NM_000463.3(UGT1A1):c.107A>G (p.Asp36Gly)

Genes: UGT1A10 (UDP glucuronosyltransferase family 1 member A10; plus strand), UGT1A (UDP glucuronosyltransferase family 1 member A complex locus; plus strand), UGT1A1 (UDP glucuronosyltransferase family 1 member A1; plus strand), UGT1A3 (UDP glucuronosyltransferase family 1 member A3; plus strand), UGT1A4 (UDP glucuronosyltransferase family 1 member A4; plus strand) and 5 more. Cytogenetic location: 2q37.1.
Variant type: single nucleotide variant.
Coding change: c.107A>G on transcript NM_000463.3 (MANE Select); coding-DNA position 107, A replaced by G.
Protein change: p.Asp36Gly; replaces aspartic acid 36 with glycine.
Molecular consequence: missense variant. On other transcripts: intron variant (9).
Genome position (GRCh38, 1-based): chr2:233,760,394, A>G. VCF-style: chr2-233760394-A-G. GRCh37 (hg19) VCF-style: chr2-234669040-A-G.
Other names: c.856-6640A>G (NM_019075.4, NM_021027.3, NM_019077.3 and 1 more transcripts); c.61-6640A>G (NM_205862.3); c.862-6640A>G (NM_001072.4); c.868-6640A>G (NM_019078.2, NM_007120.3, NM_019093.4); short protein forms D36G.
Identifiers: ClinVar variation 2428544 (VCV002428544.3), dbSNP rs1244863017, ClinGen allele CA351065635.

ClinVar aggregate classification (germline): Uncertain significance (1 of 4 stars; one submission).

Allele frequency attached by ClinVar (database versions not stated): gnomAD exomes below 0.00001; gnomAD 0.00001; TOPMed 0.00001.
gnomAD v4.1: 4 of 1,614,048 alleles (0.00025%); highest among the groups gnomAD compares: African/African-American, 0.0013%; no homozygotes.

Submission:

ARUP Laboratories, Molecular Genetics and Genomics, ARUP Laboratories
Classification: Uncertain significance. Last evaluated: 2022-06-30. Review status: criteria provided, single submitter. Criteria: ARUP Molecular Germline Variant Investigation Process 2021. Collection method: clinical testing. Allele origin: germline.
Comment: The UGT1A1 c.107A>G; p.Asp36Gly variant (rs1244863017), to our knowledge, is not reported in the medical literature or gene specific databases. This variant is only observed on one allele in the Genome Aggregation Database, indicating it is not a common polymorphism. The aspartic acid at codon 36 is highly conserved, but computational analyses are uncertain whether this variant is neutral or deleterious (REVEL: 0.466). However, given the lack of clinical and functional data, the significance of the p.Asp36Gly variant is uncertain at this time.